The following is an entry in ClinVar:

NM_003470.3(USP7):c.2014A>G (p.Ser672Gly)

Gene: USP7 (ubiquitin specific peptidase 7; minus strand). Cytogenetic location: 16p13.2.
Variant type: single nucleotide variant.
Coding change: c.2014A>G on transcript NM_003470.3 (MANE Select); coding-DNA position 2014, A replaced by G.
Protein change: p.Ser672Gly; replaces serine 672 with glycine.
Molecular consequence: missense variant. On other transcripts: non-coding transcript variant (1).
Genome position (GRCh38, 1-based): chr16:8,902,115, T>C on the plus strand (A>G on the coding strand, the complement: USP7 is on the minus strand). VCF-style: chr16-8902115-T-C. GRCh37 (hg19) VCF-style: chr16-8995972-T-C.
Other names: c.1966A>G, p.Ser656Gly (NM_001286457.2); c.1717A>G, p.Ser573Gly (NM_001286458.2); c.1840A>G, p.Ser614Gly (NM_001321858.2); short protein forms S573G, S614G, S656G, S672G.
Identifiers: ClinVar variation 2502467 (VCV002502467.1), dbSNP rs2549224773, ClinGen allele CA394699843.

ClinVar aggregate classification (germline): Uncertain significance (1 of 4 stars; one submission).

Allele frequency attached by ClinVar (database versions not stated): gnomAD exomes below 0.00001.
gnomAD v4.1: 1 of 1,614,066 alleles (0.000062%); highest among the groups gnomAD compares: Non-Finnish European, 0.000085%; no homozygotes.

Submission:

GeneDx
Classification: Uncertain significance. Last evaluated: 2022-11-18. Review status: criteria provided, single submitter. Criteria: GeneDx Variant Classification Process June 2021. Collection method: clinical testing. Allele origin: germline. Affected: yes.
Comment: Not observed at significant frequency in large population cohorts (gnomAD); In silico analysis supports that this missense variant does not alter protein structure/function; Has not been previously published as pathogenic or benign to our knowledge